The following is an entry in ClinVar:

NM_016734.3(PAX5):c.865A>G (p.Ile289Val)

Gene: PAX5 (paired box 5; minus strand). Cytogenetic location: 9p13.2.
Variant type: single nucleotide variant.
Coding change: c.865A>G on transcript NM_016734.3 (MANE Select); coding-DNA position 865, A replaced by G.
Protein change: p.Ile289Val; replaces isoleucine 289 with valine.
Molecular consequence: missense variant. On other transcripts: intron variant (2).
Genome position (GRCh38, 1-based): chr9:36,923,400, T>C on the plus strand (A>G on the coding strand, the complement: PAX5 is on the minus strand). VCF-style: chr9-36923400-T-C. GRCh37 (hg19) VCF-style: chr9-36923397-T-C.
Other names: c.865A>G, p.Ile289Val (NM_001280547.2, NM_001280548.2, NM_001280552.2); c.541A>G, p.Ile181Val (NM_001280551.2, NM_001280556.2); c.736A>G, p.Ile246Val (NM_001280553.2, NM_001280554.2); c.667A>G, p.Ile223Val (NM_001280555.2); c.780+43149A>G (NM_001280550.2, NM_001280549.2); short protein forms I181V, I223V, I246V, I289V.
Identifiers: ClinVar variation 3414524 (VCV003414524.1).
Genomic context (GRCh38, chr9:36,923,400, plus strand): 5'-CCCAGGTGCCCTCACCTGTCACAATGGGGTAGGACTGCGGGCCTGGCACACTGCTCCCGA[T>C]GTCAGCAGGGGTGGGGCTGGCCAGATTGGCCTTCATGTCGTCCAGCCCACCAGCCAGCGA-3'
Protein context (NP_057953.1, residues 279-299): ANLASPTPAD[Ile289Val]GSSVPGPQSY

ClinVar aggregate classification (germline): Uncertain significance (1 of 4 stars; one submission).

Conditions:
Inborn genetic diseases. Identifiers: MedGen C0950123, MeSH D030342.

gnomAD v4.1: 2 of 1,613,430 alleles (0.00012%); highest among the groups gnomAD compares: Admixed American, 0.0033%; no homozygotes.

Submission:

Ambry Genetics
Classification: Uncertain significance for Inborn genetic diseases. Last evaluated: 2024-11-21. Review status: criteria provided, single submitter. Criteria: Ambry Variant Classification Scheme 2023. Collection method: clinical testing. Allele origin: germline.
Comment: The p.I289V variant (also known as c.865A>G), located in coding exon 7 of the PAX5 gene, results from an A to G substitution at nucleotide position 865. The isoleucine at codon 289 is replaced by valine, an amino acid with highly similar properties. This amino acid position is conserved. In addition, the in silico prediction for this alteration is inconclusive. Based on the available evidence, the clinical significance of this variant remains unclear.